The following is an entry in ClinVar:

ClinVar aggregate classification (germline): Benign. Review status: criteria provided, single submitter (1 of 4 stars). 2 submissions from 2 submitters: Benign (1). 1 of the submissions does not count toward it. Last evaluated 2024-05-29.

Conditions:
GPR143-related disorder. Also called: GPR143-related condition.

Allele frequency attached by ClinVar (database versions not stated): TOPMed 0.00002; gnomAD 0.00004; gnomAD exomes 0.00006; ExAC 0.00017.
gnomAD v4.1: 81 of 1,209,665 alleles (0.0067%); highest among the groups gnomAD compares: South Asian, 0.049%; no homozygotes.

Submissions (2):

Labcorp Genetics (formerly Invitae), Labcorp
Classification: Benign. Last evaluated: 2024-05-29. Review status: criteria provided, single submitter. Criteria: Invitae Variant Classification Sherloc (09022015). Collection method: clinical testing. Allele origin: germline.

PreventionGenetics, part of Exact Sciences
Classification: Likely benign for GPR143-related condition. Last evaluated: 2019-11-16. Review status: no assertion criteria provided. Collection method: clinical testing. Allele origin: germline. Not counted in ClinVar's aggregate classification.
Comment: This variant is classified as likely benign based on ACMG/AMP sequence variant interpretation guidelines (Richards et al. 2015 PMID: 25741868, with internal and published modifications).

NM_000273.3(GPR143):c.1059C>T (p.Ser353=)

Gene: GPR143 (G protein-coupled receptor 143; minus strand). Cytogenetic location: Xp22.2.
Variant type: single nucleotide variant.
Coding change: c.1059C>T on transcript NM_000273.3 (MANE Select); coding-DNA position 1059, C replaced by T.
Protein change: p.Ser353=; no amino-acid change (serine 353 retained).
Molecular consequence: synonymous variant.
Genome position (GRCh38, 1-based): chrX:9,739,546, G>A on the plus strand (C>T on the coding strand, the complement: GPR143 is on the minus strand). VCF-style: chrX-9739546-G-A. GRCh37 (hg19) VCF-style: chrX-9707586-G-A.
Other names: c.1059C>T (NM_000273.2).
Identifiers: ClinVar variation 2417093 (VCV002417093.9), dbSNP rs763113825, ClinGen allele CA10344898.